The following is an entry in ClinVar:

ClinVar aggregate classification (germline): Uncertain significance (1 of 4 stars; one submission).

Conditions:
Mucopolysaccharidosis, MPS-III-D (MPS3D). Also called: Mucopoly-saccharidosis type 3D; N-acetylglucosamine-6-sulfate sulfatase deficiency; MPS 3D; MPS IIID (Sanfilippo Syndrome Type D); MUCOPOLYSACCHARIDOSIS, TYPE IIID; N-ACETYLGLUCOSAMINE-6-SULFATASE DEFICIENCY. Identifiers: Orphanet 581, Orphanet 79272, MedGen C0086650, MONDO:0009658, OMIM 252940.

Allele frequency attached by ClinVar (database versions not stated): gnomAD exomes below 0.00001; gnomAD 0.00002; TOPMed 0.00002.
gnomAD v4.1: 6 of 1,600,838 alleles (0.00037%); highest among the groups gnomAD compares: Admixed American, 0.0067%; no homozygotes.

Submission:

Labcorp Genetics (formerly Invitae), Labcorp
Classification: Uncertain significance for Mucopolysaccharidosis, MPS-III-D. Last evaluated: 2022-04-15. Review status: criteria provided, single submitter. Criteria: Invitae Variant Classification Sherloc (09022015). Collection method: clinical testing. Allele origin: germline.
Comment: This sequence change replaces glycine, which is neutral and non-polar, with arginine, which is basic and polar, at codon 155 of the GNS protein (p.Gly155Arg). This variant is present in population databases (no rsID available, gnomAD 0.003%). This variant has not been reported in the literature in individuals affected with GNS-related conditions. Algorithms developed to predict the effect of missense changes on protein structure and function are either unavailable or do not agree on the potential impact of this missense change (SIFT: "Deleterious"; PolyPhen-2: "Possibly Damaging"; Align-GVGD: "Class C15"). Algorithms developed to predict the effect of sequence changes on RNA splicing suggest that this variant may create or strengthen a splice site. In summary, the available evidence is currently insufficient to determine the role of this variant in disease. Therefore, it has been classified as a Variant of Uncertain Significance.

NM_002076.4(GNS):c.463G>A (p.Gly155Arg)

Gene: GNS (glucosamine (N-acetyl)-6-sulfatase; minus strand). Cytogenetic location: 12q14.3.
Variant type: single nucleotide variant.
Coding change: c.463G>A on transcript NM_002076.4 (MANE Select); coding-DNA position 463, G replaced by A.
Protein change: p.Gly155Arg; replaces glycine 155 with arginine.
Molecular consequence: missense variant.
Genome position (GRCh38, 1-based): chr12:64,745,721, C>T on the plus strand (G>A on the coding strand, the complement: GNS is on the minus strand). VCF-style: chr12-64745721-C-T. GRCh37 (hg19) VCF-style: chr12-65139501-C-T.
Other names: short protein forms G155R.
Identifiers: ClinVar variation 1403704 (VCV001403704.5), dbSNP rs1402191110, ClinGen allele CA385610515.